The following is an entry in ClinVar:

ClinVar aggregate classification (germline): Pathogenic (1 of 4 stars; one submission).

Conditions:
Recessive dystrophic epidermolysis bullosa (RDEB). Also called: epidermolysis bullosa dystrophica, autosomal recessive; Hallopeau-Siemens Disease; DYSTROPHIC EPIDERMOLYSIS BULLOSA, AUTOSOMAL RECESSIVE; EPIDERMOLYSIS BULLOSA DYSTROPHICA, HALLOPEAU-SIEMENS TYPE; Epidermolysis Bullosa Distrophica Autosomal Recessive (RDEB); severe generalized recessive dystrophic epidermolysis bullosa. Identifiers: Orphanet 79408, Orphanet 79409, MedGen C0079474, MONDO:0009179, OMIM 226600.

Submission:

Institute of Human Genetics, University of Leipzig Medical Center
Classification: Pathogenic for Recessive dystrophic epidermolysis bullosa. Last evaluated: 2022-12-05. Review status: criteria provided, single submitter. Criteria: ACMG Guidelines, 2015. Collection method: clinical testing. Allele origin: unknown. Affected: no.
Comment: Criteria applied: PVS1, PM3, PM2_SUP

NM_000094.4(COL7A1):c.4250del (p.Gly1417fs)

Gene: COL7A1 (collagen type VII alpha 1 chain; minus strand). Cytogenetic location: 3p21.31.
Variant type: Deletion.
Coding change: c.4250del on transcript NM_000094.4 (MANE Select); coding-DNA position 4250, one base deleted (G; older notation c.4250delG).
Protein change: p.Gly1417fs; shifts the reading frame from glycine 1417.
Molecular consequence: frameshift variant.
Genome position (GRCh38, 1-based): chr3:48,583,928, C deleted on the plus strand (G on the coding strand, the reverse complement: COL7A1 is on the minus strand); the first of 2 consecutive C bases (chr3:48,583,928-48,583,929); deleting either gives the same sequence. VCF-style (leftmost placement, unchanged base first): chr3-48583927-GC-G. GRCh37 (hg19) VCF-style: chr3-48621360-GC-G.
Other names: short protein forms G1417fs.
Identifiers: ClinVar variation 1804149 (VCV001804149.1), dbSNP rs2531155501, ClinGen allele CA2580070073.